The following is an entry in ClinVar:

NM_144997.7(FLCN):c.872-1G>T

Gene: FLCN (folliculin; minus strand). Cytogenetic location: 17p11.2.
Variant type: single nucleotide variant.
Coding change: c.872-1G>T on transcript NM_144997.7 (MANE Select); the canonical splice acceptor site of the intron before coding-DNA position 872, G replaced by T.
Molecular consequence: splice acceptor variant.
Genome position (GRCh38, 1-based): chr17:17,219,210, C>A on the plus strand (G>T on the coding strand, the complement: FLCN is on the minus strand). VCF-style: chr17-17219210-C-A. GRCh37 (hg19) VCF-style: chr17-17122524-C-A.
Other names: c.872-1G>T (NM_001353231.2, NM_001353230.2); c.926-1G>T (NM_001353229.2).
Identifiers: ClinVar variation 620629 (VCV000620629.8), dbSNP rs1567813248, ClinGen allele CA398533121.

ClinVar aggregate classification (germline): Likely pathogenic. Review status: criteria provided, multiple submitters, no conflicts (2 of 4 stars). 2 submissions from 2 submitters: Likely pathogenic (2). Last evaluated 2021-11-07.

Conditions:
Pilocytic astrocytoma. Also called: Pilocytic astrocytoma, somatic. Identifiers: Orphanet 251612, MedGen C0334583, MONDO:0016691, HP:0033680.
Birt-Hogg-Dube syndrome. Also called: Birt Hogg Dubé syndrome. Identifiers: Orphanet 122, MedGen C0346010, MONDO:0800444.

Submissions (2):

Labcorp Genetics (formerly Invitae), Labcorp
Classification: Likely pathogenic for Birt-Hogg-Dube syndrome. Last evaluated: 2021-11-07. Review status: criteria provided, single submitter. Criteria: Invitae Variant Classification Sherloc (09022015). Collection method: clinical testing. Allele origin: germline.
Comment: In summary, the currently available evidence indicates that the variant is pathogenic, but additional data are needed to prove that conclusively. Therefore, this variant has been classified as Likely Pathogenic. Algorithms developed to predict the effect of sequence changes on RNA splicing suggest that this variant may disrupt the consensus splice site. This sequence change affects an acceptor splice site in intron 8 of the FLCN gene. It is expected to disrupt RNA splicing. Variants that disrupt the donor or acceptor splice site typically lead to a loss of protein function (PMID: 16199547), and loss-of-function variants in FLCN are known to be pathogenic (PMID: 15852235). This variant is not present in population databases (gnomAD no frequency). This variant has not been reported in the literature in individuals affected with FLCN-related conditions. ClinVar contains an entry for this variant (Variation ID: 620629).

St. Jude Molecular Pathology, St. Jude Children's Research Hospital
Classification: Likely pathogenic for Pilocytic astrocytoma. Last evaluated: 2017-05-23. Review status: criteria provided, single submitter. Criteria: ACMG Guidelines, 2015. Collection method: clinical testing. Allele origin: germline. Affected: yes.

Literature cited by the submitters: PubMed 16199547 (cited by Labcorp Genetics (formerly Invitae), Labcorp); PubMed 15852235 (cited by Labcorp Genetics (formerly Invitae), Labcorp).